The following is an entry in ClinVar:

NM_006623.4(PHGDH):c.945+1G>T

Gene: PHGDH (phosphoglycerate dehydrogenase; plus strand). Cytogenetic location: 1p12.
Variant type: single nucleotide variant.
Coding change: c.945+1G>T on transcript NM_006623.4 (MANE Select); the canonical splice donor site of the intron after coding-DNA position 945, G replaced by T.
Molecular consequence: splice donor variant.
Genome position (GRCh38, 1-based): chr1:119,737,267, G>T. VCF-style: chr1-119737267-G-T. GRCh37 (hg19) VCF-style: chr1-120279890-G-T.
Identifiers: ClinVar variation 1470058 (VCV001470058.6), dbSNP rs758517215, ClinGen allele CA341851554.

ClinVar aggregate classification (germline): Likely pathogenic (1 of 4 stars; one submission).

Conditions:
PHGDH deficiency. Identifiers: Orphanet 79351, MedGen C1866174, MONDO:0011152, OMIM 601815.

Submission:

Labcorp Genetics (formerly Invitae), Labcorp
Classification: Likely pathogenic for PHGDH deficiency. Last evaluated: 2023-09-29. Review status: criteria provided, single submitter. Criteria: Invitae Variant Classification Sherloc (09022015). Collection method: clinical testing. Allele origin: germline.
Comment: In summary, the currently available evidence indicates that the variant is pathogenic, but additional data are needed to prove that conclusively. Therefore, this variant has been classified as Likely Pathogenic. Algorithms developed to predict the effect of sequence changes on RNA splicing suggest that this variant may disrupt the consensus splice site. ClinVar contains an entry for this variant (Variation ID: 1470058). This variant has not been reported in the literature in individuals affected with PHGDH-related conditions. This variant is not present in population databases (gnomAD no frequency). This sequence change affects a donor splice site in intron 8 of the PHGDH gene. It is expected to disrupt RNA splicing. Variants that disrupt the donor or acceptor splice site typically lead to a loss of protein function (PMID: 16199547), and loss-of-function variants in PHGDH are known to be pathogenic (PMID: 14645240, 24836451).

Literature cited by the submitters: PubMed 16199547; PubMed 14645240; PubMed 24836451.